The following is an entry in ClinVar:

NM_003105.6(SORL1):c.2181-14G>A

Gene: SORL1 (sortilin related receptor 1; plus strand). Cytogenetic location: 11q24.1.
Variant type: single nucleotide variant.
Coding change: c.2181-14G>A on transcript NM_003105.6 (MANE Select); 14 bases into the intron before coding-DNA position 2181, G replaced by A.
Molecular consequence: intron variant.
Genome position (GRCh38, 1-based): chr11:121,550,571, G>A. VCF-style: chr11-121550571-G-A. GRCh37 (hg19) VCF-style: chr11-121421280-G-A.
Identifiers: ClinVar variation 3672573 (VCV003672573.2).

ClinVar aggregate classification (germline): Uncertain significance (1 of 4 stars; one submission).

Submission:

Labcorp Genetics (formerly Invitae), Labcorp
Classification: Uncertain significance. Last evaluated: 2024-11-18. Review status: criteria provided, single submitter. Criteria: Invitae Variant Classification Sherloc (09022015). Collection method: clinical testing. Allele origin: germline.
Comment: This sequence change falls in intron 15 of the SORL1 gene. It does not directly change the encoded amino acid sequence of the SORL1 protein. This variant is not present in population databases (gnomAD no frequency). This variant has not been reported in the literature in individuals affected with SORL1-related conditions. Algorithms developed to predict the effect of sequence changes on RNA splicing suggest that this variant may disrupt the consensus splice site. In summary, the available evidence is currently insufficient to determine the role of this variant in disease. Therefore, it has been classified as a Variant of Uncertain Significance.